The following is an entry in ClinVar:

ClinVar aggregate classification (germline): Conflicting classifications of pathogenicity. Review status: criteria provided, conflicting classifications (1 of 4 stars). 2 submissions from 2 submitters: Uncertain significance (1); Likely benign (1). Last evaluated 2023-03-23.

Conditions:
Hereditary breast ovarian cancer syndrome. Also called: Breast and ovarian cancer; Hereditary breast and ovarian cancer syndrome (HBOC); Hereditary breast and ovarian cancer; Hereditary breast and/or ovarian cancer syndrome; BRCA1- and BRCA2-Associated Hereditary Breast and Ovarian Cancer; Hereditary breast and ovarian cancer syndrome. Identifiers: Orphanet 145, MedGen C0677776, MeSH D061325, MONDO:0003582. Disease mechanism: loss of function.
Hereditary cancer-predisposing syndrome. Also called: Hereditary Cancer Syndrome; Neoplastic Syndromes, Hereditary; Tumor predisposition; Hereditary neoplastic syndrome. Identifiers: Orphanet 140162, MedGen C0027672, MeSH D009386, MONDO:0015356.

Submissions (2):

University of Washington Department of Laboratory Medicine, University of Washington
Classification: Likely benign for Hereditary cancer-predisposing syndrome. Last evaluated: 2023-03-23. Review status: criteria provided, single submitter. Criteria: Dines et al. (Genet Med. 2020). Collection method: curation. Allele origin: germline.
Comment: Missense variant in a coldspot region where missense variants are very unlikely to be pathogenic (PMID:31911673).

BRCA2 exon 11 coldspot. Reclassification based on statistical prior probability.

Labcorp Genetics (formerly Invitae), Labcorp
Classification: Uncertain significance for Hereditary breast ovarian cancer syndrome. Last evaluated: 2020-10-05. Review status: criteria provided, single submitter. Criteria: Invitae Variant Classification Sherloc (09022015). Collection method: clinical testing. Allele origin: germline.
Comment: This variant has not been reported in the literature in individuals with BRCA2-related conditions. In summary, the available evidence is currently insufficient to determine the role of this variant in disease. Therefore, it has been classified as a Variant of Uncertain Significance. Advanced modeling of protein sequence and biophysical properties (such as structural, functional, and spatial information, amino acid conservation, physicochemical variation, residue mobility, and thermodynamic stability) performed at Invitae indicates that this missense variant is not expected to disrupt BRCA2 protein function. This variant is not present in population databases (ExAC no frequency). This sequence change replaces glutamine with glutamic acid at codon 1095 of the BRCA2 protein (p.Gln1095Glu). The glutamine residue is moderately conserved and there is a small physicochemical difference between glutamine and glutamic acid.

NM_000059.4(BRCA2):c.3283C>G (p.Gln1095Glu)

Gene: BRCA2 (BRCA2 DNA repair associated; plus strand). Cytogenetic location: 13q13.1.
Variant type: single nucleotide variant.
Coding change: c.3283C>G on transcript NM_000059.4 (MANE Select); coding-DNA position 3283, C replaced by G.
Protein change: p.Gln1095Glu; replaces glutamine 1095 with glutamic acid.
Molecular consequence: missense variant.
Genome position (GRCh38, 1-based): chr13:32,337,638, C>G. VCF-style: chr13-32337638-C-G. GRCh37 (hg19) VCF-style: chr13-32911775-C-G.
Other names: short protein forms Q1095E.
Identifiers: ClinVar variation 1022925 (VCV001022925.10), dbSNP rs397507662, ClinGen allele CA387776099.